The following is an entry in ClinVar:

ClinVar aggregate classification (germline): Uncertain significance. Review status: criteria provided, single submitter (1 of 4 stars). 2 submissions from 2 submitters: Uncertain significance (1). 1 of the submissions does not count toward it. Last evaluated 2020-07-07.

Conditions:
Ataxia-telangiectasia syndrome (AT). Also called: ATAXIA-TELANGIECTASIA, COMPLEMENTATION GROUP A; ATAXIA-TELANGIECTASIA, FRESNO VARIANT; Ataxia-telangiectasia, complementation group D; AT, COMPLEMENTATION GROUP C; Cerebello-oculocutaneous telangiectasia; Immunodeficiency with ataxia telangiectasia. Identifiers: Orphanet 100, MedGen C0004135, MONDO:0008840, OMIM 208900.

Allele frequency attached by ClinVar (database versions not stated): gnomAD exomes below 0.00001.
gnomAD v4.1: 2 of 1,612,124 alleles (0.00012%); highest among the groups gnomAD compares: Non-Finnish European, 0.00017%; no homozygotes.

Submissions (2):

Labcorp Genetics (formerly Invitae), Labcorp
Classification: Uncertain significance for Ataxia-telangiectasia syndrome. Last evaluated: 2020-07-07. Review status: criteria provided, single submitter. Criteria: Invitae Variant Classification Sherloc (09022015). Collection method: clinical testing. Allele origin: germline.
Comment: In summary, the available evidence is currently insufficient to determine the role of this variant in disease. Therefore, it has been classified as a Variant of Uncertain Significance. Algorithms developed to predict the effect of missense changes on protein structure and function are either unavailable or do not agree on the potential impact of this missense change (SIFT: "Tolerated"; PolyPhen-2: "Possibly Damaging"; Align-GVGD: "Class C0"). This variant has not been reported in the literature in individuals with ATM-related conditions. This variant is not present in population databases (ExAC no frequency). This sequence change replaces asparagine with aspartic acid at codon 122 of the ATM protein (p.Asn122Asp). The asparagine residue is moderately conserved and there is a small physicochemical difference between asparagine and aspartic acid.

Natera, Inc.
Classification: Uncertain significance for Ataxia-telangiectasia. Last evaluated: 2021-02-02. Review status: no assertion criteria provided. Collection method: clinical testing. Allele origin: germline. Not counted in ClinVar's aggregate classification.

NM_000051.4(ATM):c.364A>G (p.Asn122Asp)

Gene: ATM (ATM serine/threonine kinase; plus strand). Cytogenetic location: 11q22.3.
Variant type: single nucleotide variant.
Coding change: c.364A>G on transcript NM_000051.4 (MANE Select); coding-DNA position 364, A replaced by G.
Protein change: p.Asn122Asp; replaces asparagine 122 with aspartic acid.
Molecular consequence: missense variant.
Genome position (GRCh38, 1-based): chr11:108,235,702, A>G. VCF-style: chr11-108235702-A-G. GRCh37 (hg19) VCF-style: chr11-108106429-A-G.
Other names: c.364A>G, p.Asn122Asp (NM_001351834.2); short protein forms N122D.
Identifiers: ClinVar variation 1041278 (VCV001041278.12), dbSNP rs2079236749, ClinGen allele CA382524700.